The following is an entry in ClinVar:

ClinVar aggregate classification (germline): Uncertain significance (1 of 4 stars; one submission).

Conditions:
Hereditary diffuse gastric adenocarcinoma (HDGC). Also called: DIFFUSE GASTRIC AND LOBULAR BREAST CANCER SYNDROME. Identifiers: Orphanet 26106, MedGen C1708349, MONDO:0007648, OMIM 137215.

Submission:

Labcorp Genetics (formerly Invitae), Labcorp
Classification: Uncertain significance for Hereditary diffuse gastric adenocarcinoma. Last evaluated: 2019-10-17. Review status: criteria provided, single submitter. Criteria: Invitae Variant Classification Sherloc (09022015). Collection method: clinical testing. Allele origin: germline.
Comment: In summary, the available evidence is currently insufficient to determine the role of this variant in disease. Therefore, it has been classified as a Variant of Uncertain Significance. Algorithms developed to predict the effect of missense changes on protein structure and function (SIFT, PolyPhen-2, Align-GVGD) all suggest that this variant is likely to be disruptive, but these predictions have not been confirmed by published functional studies and their clinical significance is uncertain. This variant has not been reported in the literature in individuals with CDH1-related conditions. This variant is not present in population databases (ExAC no frequency). This sequence change replaces leucine with histidine at codon 305 of the CDH1 protein (p.Leu305His). The leucine residue is moderately conserved and there is a moderate physicochemical difference between leucine and histidine.

NM_004360.5(CDH1):c.914T>A (p.Leu305His)

Gene: CDH1 (cadherin 1; plus strand). Cytogenetic location: 16q22.1.
Variant type: single nucleotide variant.
Coding change: c.914T>A on transcript NM_004360.5 (MANE Select); coding-DNA position 914, T replaced by A.
Protein change: p.Leu305His; replaces leucine 305 with histidine.
Molecular consequence: missense variant. On other transcripts: 5 prime UTR variant (2).
Genome position (GRCh38, 1-based): chr16:68,811,765, T>A. VCF-style: chr16-68811765-T-A. GRCh37 (hg19) VCF-style: chr16-68845668-T-A.
Other names: c.914T>A, p.Leu305His (NM_001317184.2); c.-702T>A (NM_001317185.2); c.-906T>A (NM_001317186.2); short protein forms L305H.
Identifiers: ClinVar variation 972246 (VCV000972246.10), dbSNP rs1960838832, ClinGen allele CA396459704.